The following is an entry in ClinVar:

ClinVar aggregate classification (germline): Pathogenic (1 of 4 stars; one submission).

Submission:

Labcorp Genetics (formerly Invitae), Labcorp
Classification: Pathogenic. Last evaluated: 2024-05-21. Review status: criteria provided, single submitter. Criteria: Invitae Variant Classification Sherloc (09022015). Collection method: clinical testing. Allele origin: germline.
Comment: This sequence change creates a premature translational stop signal (p.Arg469Profs*75) in the CDT1 gene. While this is not anticipated to result in nonsense mediated decay, it is expected to disrupt the last 78 amino acid(s) of the CDT1 protein. This variant is not present in population databases (gnomAD no frequency). This variant has not been reported in the literature in individuals affected with CDT1-related conditions. This variant disrupts a region of the CDT1 protein in which other variant(s) (p.Tyr520*) have been determined to be pathogenic (PMID: 21358632). This suggests that this is a clinically significant region of the protein, and that variants that disrupt it are likely to be disease-causing. For these reasons, this variant has been classified as Pathogenic.

Literature cited by the submitters: PubMed 21358632.

NM_030928.4(CDT1):c.1405dup (p.Arg469fs)

Gene: CDT1 (chromatin licensing and DNA replication factor 1; plus strand). Cytogenetic location: 16q24.3.
Variant type: Duplication.
Coding change: c.1405dup on transcript NM_030928.4 (MANE Select); coding-DNA position 1405, one base duplicated (C; older notation c.1405dupC).
Protein change: p.Arg469fs; shifts the reading frame from arginine 469.
Molecular consequence: frameshift variant.
Genome position (GRCh38, 1-based): chr16:88,807,410, C duplicated. VCF-style (leftmost placement, unchanged base first): chr16-88807409-A-AC. GRCh37 (hg19) VCF-style: chr16-88873817-A-AC.
Other names: short protein forms R469fs.
Identifiers: ClinVar variation 3653953 (VCV003653953.2).
Genomic context (GRCh38, chr16:88,807,409, plus strand): 5'-GCAGCGCTTAGAACGGCTGCCTGAGCTGGCCCGCGTGCTGCGGAGCGTCTTTGTGTCCGA[A>AC]CGCAAGCCTGCGCTCAGCATGGAGGTGGCCTGTGCCAGGATGGTGGGCAGCTGTTGTACT-3'